The following is an entry in ClinVar:

NM_032444.4(SLX4):c.838G>T (p.Gly280Ter)

Gene: SLX4 (SLX4 structure-specific endonuclease subunit; minus strand). Cytogenetic location: 16p13.3.
Variant type: single nucleotide variant.
Coding change: c.838G>T on transcript NM_032444.4 (MANE Select); coding-DNA position 838, G replaced by T.
Protein change: p.Gly280Ter; replaces glycine 280 with a stop codon.
Molecular consequence: nonsense.
Genome position (GRCh38, 1-based): chr16:3,602,230, C>A on the plus strand (G>T on the coding strand, the complement: SLX4 is on the minus strand). VCF-style: chr16-3602230-C-A. GRCh37 (hg19) VCF-style: chr16-3652231-C-A.
Other names: short protein forms G280*.
Identifiers: ClinVar variation 3235726 (VCV003235726.1), dbSNP rs2548222345, ClinGen allele CA394532393.

ClinVar aggregate classification (germline): Likely pathogenic (1 of 4 stars; one submission).

Conditions:
Fanconi anemia complementation group P. Also called: SLX4-Related Fanconi Anemia. Identifiers: Orphanet 84, MedGen C3469542, MONDO:0013499, OMIM 613951.

gnomAD v4.1: 1 of 1,614,190 alleles (0.000062%); highest among the groups gnomAD compares: Admixed American, 0.0017%; no homozygotes.

Submission:

Greenwood Genetic Center Diagnostic Laboratories, Greenwood Genetic Center
Classification: Likely pathogenic for Fanconi anemia complementation group P. Last evaluated: 2024-02-07. Review status: criteria provided, single submitter. Criteria: ACMG Guidelines, 2015. Collection method: clinical testing. Allele origin: germline. Affected: yes.
Comment: PVS1, PM2